The following is an entry in ClinVar:

NM_006766.5(KAT6A):c.1718A>G (p.Lys573Arg)

Gene: KAT6A (lysine acetyltransferase 6A; minus strand). Cytogenetic location: 8p11.21.
Variant type: single nucleotide variant.
Coding change: c.1718A>G on transcript NM_006766.5 (MANE Select); coding-DNA position 1718, A replaced by G.
Protein change: p.Lys573Arg; replaces lysine 573 with arginine.
Molecular consequence: missense variant.
Genome position (GRCh38, 1-based): chr8:41,949,244, T>C on the plus strand (A>G on the coding strand, the complement: KAT6A is on the minus strand). VCF-style: chr8-41949244-T-C. GRCh37 (hg19) VCF-style: chr8-41806762-T-C.
Other names: c.1718A>G, p.Lys573Arg (NM_001305878.2); short protein forms K573R.
Identifiers: ClinVar variation 3613048 (VCV003613048.2).

ClinVar aggregate classification (germline): Uncertain significance (1 of 4 stars; one submission).

gnomAD v4.1: 2 of 1,531,886 alleles (0.00013%); highest among the groups gnomAD compares: Non-Finnish European, 0.00018%; no homozygotes.

Submission:

Labcorp Genetics (formerly Invitae), Labcorp
Classification: Uncertain significance. Last evaluated: 2024-06-03. Review status: criteria provided, single submitter. Criteria: Invitae Variant Classification Sherloc (09022015). Collection method: clinical testing. Allele origin: germline.
Comment: This sequence change replaces lysine, which is basic and polar, with arginine, which is basic and polar, at codon 573 of the KAT6A protein (p.Lys573Arg). This variant is not present in population databases (gnomAD no frequency). This variant has not been reported in the literature in individuals affected with KAT6A-related conditions. Advanced modeling of protein sequence and biophysical properties (such as structural, functional, and spatial information, amino acid conservation, physicochemical variation, residue mobility, and thermodynamic stability) has been performed at Invitae for this missense variant, however the output from this modeling did not meet the statistical confidence thresholds required to predict the impact of this variant on KAT6A protein function. In summary, the available evidence is currently insufficient to determine the role of this variant in disease. Therefore, it has been classified as a Variant of Uncertain Significance.